The following is an entry in ClinVar:

ClinVar aggregate classification (germline): Conflicting classifications of pathogenicity. Review status: criteria provided, conflicting classifications (1 of 4 stars). 6 submissions from 6 submitters: Likely pathogenic (1); Uncertain significance (4). 1 of the submissions does not count toward it. Last evaluated 2024-09-23.

Conditions:
Familial thoracic aortic aneurysm and aortic dissection (TAAD). Also called: Thoracic aortic aneurysms and dissections. Identifiers: Orphanet 91387, MedGen C4707243, MONDO:0019625.
Marfan syndrome (MFS). Also called: MARFAN SYNDROME, TYPE I; Marfan syndrome type 1; Marfan's syndrome; Marfan syndrome, classic; FBN1-Related Marfan Syndrome. Identifiers: Orphanet 284963, Orphanet 558, MedGen C0024796, MONDO:0007947, OMIM 154700.

Allele frequency attached by ClinVar (database versions not stated): gnomAD 0.00001; TOPMed 0.00001.
gnomAD v4.1: 3 of 1,611,280 alleles (0.00019%); highest among the groups gnomAD compares: Non-Finnish European, 0.00025%; no homozygotes.

Submissions (6):

All of Us Research Program, National Institutes of Health
Classification: Uncertain significance for Marfan syndrome. Last evaluated: 2024-09-23. Review status: criteria provided, single submitter. Criteria: ACMG Guidelines, 2015. Collection method: clinical testing. Allele origin: germline. Inheritance: Autosomal dominant inheritance. Observed: 2 variant alleles, 2 heterozygotes.
Comment: This missense variant replaces proline with arginine at codon 2154 of the FBN1 protein. Computational prediction suggests that this variant may have deleterious impact on protein structure and function (internally defined REVEL score threshold >= 0.7, PMID: 27666373). To our knowledge, functional studies have not been reported for this variant. This variant has been reported in one individual affected with ectopia lentis (PMID: 11700157). This variant has been identified in 2/251046 chromosomes in the general population by the Genome Aggregation Database (gnomAD). The available evidence is insufficient to determine the role of this variant in disease conclusively. Therefore, this variant is classified as a Variant of Uncertain Significance.

This study involves interpretation of variants in research participants for the purpose of population health screening. Participant phenotype was not available at the time of variant classification. Additional details can be found in publication PMID: 35346344, PMCID: PMC8962531

Labcorp Genetics (formerly Invitae), Labcorp
Classification: Likely pathogenic for Marfan syndrome; Familial thoracic aortic aneurysm and aortic dissection. Last evaluated: 2024-05-22. Review status: criteria provided, single submitter. Criteria: Invitae Variant Classification Sherloc (09022015). Collection method: clinical testing. Allele origin: germline.
Comment: This sequence change replaces proline, which is neutral and non-polar, with arginine, which is basic and polar, at codon 2154 of the FBN1 protein (p.Pro2154Arg). This variant is present in population databases (no rsID available, gnomAD 0.002%). This missense change has been observed in individuals with clinical features of FBN1-related conditions (PMID: 11700157; Invitae). ClinVar contains an entry for this variant (Variation ID: 549345). Advanced modeling of protein sequence and biophysical properties (such as structural, functional, and spatial information, amino acid conservation, physicochemical variation, residue mobility, and thermodynamic stability) performed at Invitae indicates that this missense variant is expected to disrupt FBN1 protein function with a positive predictive value of 95%. This variant disrupts the p.Pro2154 amino acid residue in FBN1. Other variant(s) that disrupt this residue have been observed in individuals with FBN1-related conditions (Invitae), which suggests that this may be a clinically significant amino acid residue. In summary, the currently available evidence indicates that the variant is pathogenic, but additional data are needed to prove that conclusively. Therefore, this variant has been classified as Likely Pathogenic.

CeGaT Center for Human Genetics Tuebingen
Classification: Uncertain significance. Last evaluated: 2024-02-01. Review status: criteria provided, single submitter. Criteria: CeGaT Center For Human Genetics Tuebingen Variant Classification Criteria Version 2. Collection method: clinical testing. Allele origin: germline. Affected: yes. Observed: 1 variant allele.
Comment: FBN1: PM1, PP3

GeneDx
Classification: Uncertain significance. Last evaluated: 2022-08-19. Review status: criteria provided, single submitter. Criteria: GeneDx Variant Classification Process June 2021. Collection method: clinical testing. Allele origin: germline. Affected: yes.
Comment: Reported in an adult with ectopia lentis and minor skeletal features (Loeys et al., 2001); Not observed at a significant frequency in large population cohorts (gnomAD); In silico analysis, which includes protein predictors and evolutionary conservation, supports a deleterious effect; Although located in a calcium-binding EGF-like domain of the FBN1 gene, it does not affect a cysteine residue within this domain; cysteine substitutions in the calcium-binding EGF-like domains represent the majority of pathogenic missense changes associated with FBN1-related disorders (Collod-Beroud et al., 2003); This variant is associated with the following publications: (PMID: 15054843, 11933199, 11700157)

Color Diagnostics, LLC DBA Color Health
Classification: Uncertain significance for Familial thoracic aortic aneurysm and aortic dissection. Last evaluated: 2020-10-19. Review status: criteria provided, single submitter. Criteria: ACMG Guidelines, 2015. Collection method: clinical testing. Allele origin: germline.
Comment: This missense variant replaces proline with arginine at codon 2154 of the FBN1 protein. Computational prediction suggests that this variant may have deleterious impact on protein structure and function (internally defined REVEL score threshold >= 0.7, PMID: 27666373). To our knowledge, functional studies have not been reported for this variant. This variant has been reported in one individual affected with ectopia lentis (PMID: 11700157). This variant has been identified in 2/251046 chromosomes in the general population by the Genome Aggregation Database (gnomAD). The available evidence is insufficient to determine the role of this variant in disease conclusively. Therefore, this variant is classified as a Variant of Uncertain Significance.

Center for Medical Genetics Ghent, University of Ghent
Classification: Uncertain significance for Marfan syndrome. Last evaluated: 2017-11-07. Review status: no assertion criteria provided. Collection method: clinical testing. Allele origin: germline. Affected: yes. Not counted in ClinVar's aggregate classification.

Literature cited by the submitters: PubMed 11700157 (cited by All of Us Research Program, National Institutes of Health and Labcorp Genetics (formerly Invitae), Labcorp).

NM_000138.5(FBN1):c.6461C>G (p.Pro2154Arg)

Gene: FBN1 (fibrillin 1; minus strand). Cytogenetic location: 15q21.1.
Variant type: single nucleotide variant.
Coding change: c.6461C>G on transcript NM_000138.5 (MANE Select); coding-DNA position 6461, C replaced by G.
Protein change: p.Pro2154Arg; replaces proline 2154 with arginine.
Molecular consequence: missense variant.
Genome position (GRCh38, 1-based): chr15:48,436,996, G>C on the plus strand (C>G on the coding strand, the complement: FBN1 is on the minus strand). VCF-style: chr15-48436996-G-C. GRCh37 (hg19) VCF-style: chr15-48729193-G-C.
Other names: short protein forms P2154R.
Identifiers: ClinVar variation 549345 (VCV000549345.37), dbSNP rs756219617, ClinGen allele CA392336462.